The following is an entry in ClinVar:

NM_000642.3(AGL):c.814C>A (p.Pro272Thr)

Gene: AGL (amylo-alpha-1,6-glucosidase and 4-alpha-glucanotransferase; plus strand). Cytogenetic location: 1p21.2.
Variant type: single nucleotide variant.
Coding change: c.814C>A on transcript NM_000642.3 (MANE Select); coding-DNA position 814, C replaced by A.
Protein change: p.Pro272Thr; replaces proline 272 with threonine.
Molecular consequence: missense variant.
Genome position (GRCh38, 1-based): chr1:99,870,549, C>A. VCF-style: chr1-99870549-C-A. GRCh37 (hg19) VCF-style: chr1-100336105-C-A.
Other names: c.814C>A, p.Pro272Thr (NM_000643.3, NM_000644.3, NM_001425325.1 and 3 more transcripts); c.766C>A, p.Pro256Thr (NM_000646.3); c.610C>A, p.Pro204Thr (NM_001425328.1, NM_001425329.1); c.436C>A, p.Pro146Thr (NM_001425332.1); short protein forms P272T, P256T, P146T, P204T.
Identifiers: ClinVar variation 1040822 (VCV001040822.10), dbSNP rs754177225, ClinGen allele CA966268.
Genomic context (GRCh38, chr1:99,870,549, plus strand): 5'-AGAGCACTTTGGCGTTTCTCCTGTGATGTTGCAGAAGGGAAATACAAAGAAAAGGGAATA[C>A]CTGCTTTGATTGAAAATGATCACCATATGAATGTCAGTATGTACAGAGGAGTATCACACT-3'
Protein context (NP_000633.2, residues 262-282): AEGKYKEKGI[Pro272Thr]ALIENDHHMN

ClinVar aggregate classification (germline): Uncertain significance. Review status: criteria provided, single submitter (1 of 4 stars). 2 submissions from 2 submitters: Uncertain significance (1). 1 of the submissions does not count toward it. Last evaluated 2021-08-27.

Conditions:
Glycogen storage disease type III (GSD3). Also called: Cori disease; FORBES DISEASE. Identifiers: Orphanet 366, MedGen C0017922, MONDO:0009291, OMIM 232400.

Allele frequency attached by ClinVar (database versions not stated): gnomAD exomes below 0.00001 and 0.00001; gnomAD 0.00001; ExAC 0.00002; TOPMed 0.00002.
gnomAD v4.1: 5 of 1,613,850 alleles (0.00031%); highest among the groups gnomAD compares: Non-Finnish European, 0.00042%; no homozygotes.

Submissions (2):

Labcorp Genetics (formerly Invitae), Labcorp
Classification: Uncertain significance for Glycogen storage disease type III. Last evaluated: 2021-08-27. Review status: criteria provided, single submitter. Criteria: Invitae Variant Classification Sherloc (09022015). Collection method: clinical testing. Allele origin: germline.
Comment: This sequence change replaces proline with threonine at codon 272 of the AGL protein (p.Pro272Thr). The proline residue is moderately conserved and there is a small physicochemical difference between proline and threonine. This variant is present in population databases (rs754177225, ExAC 0.003%). This variant has not been reported in the literature in individuals affected with AGL-related conditions. Algorithms developed to predict the effect of missense changes on protein structure and function (SIFT, PolyPhen-2, Align-GVGD) all suggest that this variant is likely to be tolerated. In summary, the available evidence is currently insufficient to determine the role of this variant in disease. Therefore, it has been classified as a Variant of Uncertain Significance.

Natera, Inc.
Classification: Uncertain significance for Glycogen storage disease type III. Last evaluated: 2021-03-08. Review status: no assertion criteria provided. Collection method: clinical testing. Allele origin: germline. Not counted in ClinVar's aggregate classification.